The following is an entry in ClinVar:

NM_000492.4(CFTR):c.2475C>T (p.Asn825=)

Gene: CFTR (CF transmembrane conductance regulator; plus strand). Cytogenetic location: 7q31.2.
Variant type: single nucleotide variant.
Coding change: c.2475C>T on transcript NM_000492.4 (MANE Select); coding-DNA position 2475, C replaced by T.
Protein change: p.Asn825=; no amino-acid change (asparagine 825 retained).
Molecular consequence: synonymous variant.
Genome position (GRCh38, 1-based): chr7:117,592,642, C>T. VCF-style: chr7-117592642-C-T. GRCh37 (hg19) VCF-style: chr7-117232696-C-T.
Identifiers: ClinVar variation 455768 (VCV000455768.27), dbSNP rs746961486, ClinGen allele CA4451186.

ClinVar aggregate classification (germline): Likely benign. Review status: criteria provided, multiple submitters, no conflicts (2 of 4 stars). 8 submissions from 8 submitters: Likely benign (7). 1 of the submissions does not count toward it. Last evaluated 2026-01-20.

Conditions:
CFTR-related disorder (CFTR-RD). Also called: CFTR-related disorders; CFTR-related condition. Identifiers: MedGen C5924204, MONDO:7770004.
Cystic fibrosis (CF). Also called: MUCOVISCIDOSIS. Identifiers: Orphanet 586, MedGen C0010674, MONDO:0009061, OMIM 219700. Disease mechanism: loss of function.

Allele frequency attached by ClinVar (database versions not stated): ExAC 0.00002; gnomAD exomes 0.00002 and 0.00003; TOPMed 0.00003; gnomAD 0.00005.
gnomAD v4.1: 46 of 1,539,798 alleles (0.003%); highest among the groups gnomAD compares: South Asian, 0.0013%; no homozygotes.

Submissions (8):

Labcorp Genetics (formerly Invitae), Labcorp
Classification: Likely benign for Cystic fibrosis. Last evaluated: 2026-01-20. Review status: criteria provided, single submitter. Criteria: Invitae Variant Classification Sherloc (09022015). Collection method: clinical testing. Allele origin: germline.

PreventionGenetics, part of Exact Sciences
Classification: Likely benign for CFTR-related condition. Last evaluated: 2025-12-22. Review status: criteria provided, single submitter. Criteria: ACMG Guidelines, 2015. Collection method: clinical testing. Allele origin: germline.
Comment: This variant is classified as likely benign based on ACMG/AMP sequence variant interpretation guidelines (Richards et al. 2015 PMID: 25741868, with internal and published modifications).

Women's Health and Genetics/Laboratory Corporation of America, LabCorp
Classification: Likely benign. Last evaluated: 2024-12-06. Review status: criteria provided, single submitter. Criteria: LabCorp Variant Classification Summary - May 2015. Collection method: clinical testing. Allele origin: germline.

Ambry Genetics
Classification: Likely benign for Cystic fibrosis. Last evaluated: 2021-08-05. Review status: criteria provided, single submitter. Criteria: Ambry Variant Classification Scheme 2023. Collection method: clinical testing. Allele origin: germline.

GeneDx
Classification: Likely benign. Last evaluated: 2020-09-23. Review status: criteria provided, single submitter. Criteria: GeneDx Variant Classification Process June 2021. Collection method: clinical testing. Allele origin: germline. Affected: yes.

ARUP Laboratories, Molecular Genetics and Genomics, ARUP Laboratories
Classification: Likely benign. Last evaluated: 2019-06-21. Review status: criteria provided, single submitter. Criteria: ARUP Molecular Germline Variant Investigation Process. Collection method: clinical testing. Allele origin: germline.

Quest Diagnostics Nichols Institute San Juan Capistrano
Classification: Likely benign. Last evaluated: 2019-05-16. Review status: criteria provided, single submitter. Criteria: Quest Diagnostics criteria. Collection method: clinical testing. Allele origin: germline.

Natera, Inc.
Classification: Likely benign for Cystic Fibrosis. Last evaluated: 2020-06-02. Review status: no assertion criteria provided. Collection method: clinical testing. Allele origin: germline. Not counted in ClinVar's aggregate classification.